The following is an entry in ClinVar:

NM_022893.4(BCL11A):c.2069A>G (p.His690Arg)

Gene: BCL11A (BCL11 transcription factor A; minus strand). Cytogenetic location: 2p16.1.
Variant type: single nucleotide variant.
Coding change: c.2069A>G on transcript NM_022893.4 (MANE Select); coding-DNA position 2069, A replaced by G.
Protein change: p.His690Arg; replaces histidine 690 with arginine.
Molecular consequence: missense variant. On other transcripts: intron variant (6).
Genome position (GRCh38, 1-based): chr2:60,460,843, T>C on the plus strand (A>G on the coding strand, the complement: BCL11A is on the minus strand). VCF-style: chr2-60460843-T-C. GRCh37 (hg19) VCF-style: chr2-60687978-T-C.
Other names: c.1967A>G, p.His656Arg (NM_001363864.1, NM_001365609.1, NM_001405711.1 and 2 more transcripts); c.2069A>G, p.His690Arg (NM_001405708.1, NM_001405709.1, NM_001405710.1 and 1 more transcripts); c.1913A>G, p.His638Arg (NM_001405713.1, NM_001405714.1, NM_001405715.1 and 3 more transcripts); c.1811A>G, p.His604Arg (NM_001405717.1, NM_001405718.1, NM_001405724.1); c.1736A>G, p.His579Arg (NM_001405720.1, NM_001405721.1); c.1613A>G, p.His538Arg (NM_001405725.1, NM_001405726.1, NM_001405727.1 and 1 more transcripts); c.1376A>G, p.His459Arg (NM_001405729.1); c.1532A>G, p.His511Arg (NM_001405730.1); and 5 more; short protein forms H359R, H459R, H511R, H538R, H579R, H604R, H638R, H656R.
Identifiers: ClinVar variation 2504833 (VCV002504833.1), dbSNP rs1676213395, ClinGen allele CA347036634.

ClinVar aggregate classification (germline): Uncertain significance (1 of 4 stars; one submission).

Allele frequency attached by ClinVar (database versions not stated): TOPMed below 0.00001; gnomAD 0.00001.
gnomAD v4.1: 1 of 1,612,324 alleles (0.000062%); highest among the groups gnomAD compares: Non-Finnish European, 0.000085%; no homozygotes.

Submission:

GeneDx
Classification: Uncertain significance. Last evaluated: 2022-12-09. Review status: criteria provided, single submitter. Criteria: GeneDx Variant Classification Process June 2021. Collection method: clinical testing. Allele origin: germline. Affected: yes.
Comment: Not observed at significant frequency in large population cohorts (gnomAD); In silico analysis supports that this missense variant has a deleterious effect on protein structure/function; Has not been previously published as pathogenic or benign to our knowledge